The following is an entry in ClinVar:

NM_000362.5(TIMP3):c.325T>C (p.Tyr109His)

Genes: SYN3 (synapsin III; minus strand), TIMP3 (TIMP metallopeptidase inhibitor 3; plus strand). Cytogenetic location: 22q12.3.
Variant type: single nucleotide variant.
Coding change: c.325T>C on transcript NM_000362.5 (MANE Select); coding-DNA position 325, T replaced by C.
Protein change: p.Tyr109His; replaces tyrosine 109 with histidine.
Molecular consequence: missense variant. On other transcripts: intron variant (7).
Genome position (GRCh38, 1-based): chr22:32,858,025, T>C. VCF-style: chr22-32858025-T-C. GRCh37 (hg19) VCF-style: chr22-33254012-T-C.
Other names: c.708+6890A>G (NM_001369909.1, NM_001135774.2, NM_001369910.1); c.711+6890A>G (NM_001369907.1, NM_003490.4, NM_001369908.1 and 1 more transcripts); short protein forms Y109H.
Identifiers: ClinVar variation 1040620 (VCV001040620.9), dbSNP rs997308356, ClinGen allele CA323660566.

ClinVar aggregate classification (germline): Uncertain significance (1 of 4 stars; one submission).

Allele frequency attached by ClinVar (database versions not stated): gnomAD exomes below 0.00001.
gnomAD v4.1: 2 of 1,614,190 alleles (0.00012%); highest among the groups gnomAD compares: East Asian, 0.0045%; no homozygotes.

Submission:

Labcorp Genetics (formerly Invitae), Labcorp
Classification: Uncertain significance. Last evaluated: 2025-03-24. Review status: criteria provided, single submitter. Criteria: Invitae Variant Classification Sherloc (09022015). Collection method: clinical testing. Allele origin: germline.
Comment: This sequence change replaces tyrosine, which is neutral and polar, with histidine, which is basic and polar, at codon 109 of the TIMP3 protein (p.Tyr109His). This variant is present in population databases (no rsID available, gnomAD 0.0009%). This variant has not been reported in the literature in individuals affected with TIMP3-related conditions. ClinVar contains an entry for this variant (Variation ID: 1040620). An algorithm developed to predict the effect of missense changes on protein structure and function (PolyPhen-2) suggests that this variant is likely to be disruptive. In summary, the available evidence is currently insufficient to determine the role of this variant in disease. Therefore, it has been classified as a Variant of Uncertain Significance.